The following is an entry in ClinVar:

ClinVar aggregate classification (germline): Likely benign. Review status: criteria provided, multiple submitters, no conflicts (2 of 4 stars). 3 submissions from 3 submitters: Likely benign (3). Last evaluated 2026-06-01.

Allele frequency attached by ClinVar (database versions not stated): gnomAD exomes below 0.00001 and 0.00001; ExAC 0.00001; gnomAD 0.00001; TOPMed 0.00001.

Submissions (3):

CeGaT Center for Human Genetics Tuebingen
Classification: Likely benign. Last evaluated: 2026-06-01. Review status: criteria provided, single submitter. Criteria: CeGaT Center For Human Genetics Tuebingen Variant Classification Criteria Version 2. Collection method: clinical testing. Allele origin: germline. Affected: yes. Observed: 1 variant allele.
Comment: SZT2: BP4, BP7

Labcorp Genetics (formerly Invitae), Labcorp
Classification: Likely benign. Last evaluated: 2025-05-17. Review status: criteria provided, single submitter. Criteria: Invitae Variant Classification Sherloc (09022015). Collection method: clinical testing. Allele origin: germline.

Blueprint Genetics
Classification: Likely benign. Last evaluated: 2024-10-14. Review status: criteria provided, single submitter. Criteria: ACMG Guidelines, 2015. Collection method: clinical testing. Allele origin: germline.

NM_001365999.1(SZT2):c.6117C>T (p.Asp2039=)

Gene: SZT2 (SZT2 subunit of KICSTOR complex; plus strand). Cytogenetic location: 1p34.2.
Variant type: single nucleotide variant.
Coding change: c.6117C>T on transcript NM_001365999.1 (MANE Select); coding-DNA position 6117, C replaced by T.
Protein change: p.Asp2039=; no amino-acid change (aspartic acid 2039 retained).
Molecular consequence: synonymous variant.
Genome position (GRCh38, 1-based): chr1:43,437,253, C>T. VCF-style: chr1-43437253-C-T. GRCh37 (hg19) VCF-style: chr1-43902924-C-T.
Other names: c.5946C>T, p.Asp1982= (NM_015284.4).
Identifiers: ClinVar variation 416962 (VCV000416962.14), dbSNP rs756197807, ClinGen allele CA809798.